The following is an entry in ClinVar:

NM_001332.4(CTNND2):c.3418-6G>A

Gene: CTNND2 (catenin delta 2; minus strand). Cytogenetic location: 5p15.2.
Variant type: single nucleotide variant.
Coding change: c.3418-6G>A on transcript NM_001332.4 (MANE Select); 6 bases into the intron before coding-DNA position 3418, G replaced by A.
Molecular consequence: intron variant.
Genome position (GRCh38, 1-based): chr5:10,973,719, C>T on the plus strand (G>A on the coding strand, the complement: CTNND2 is on the minus strand). VCF-style: chr5-10973719-C-T. GRCh37 (hg19) VCF-style: chr5-10973831-C-T.
Other names: c.2119-6G>A (NM_001288717.2); c.2482-6G>A (NM_001364128.2); c.2407-6G>A (NM_001288716.1); c.3145-6G>A (NM_001288715.1); c.3418-6G>A (NM_001332.3).
Identifiers: ClinVar variation 1286931 (VCV001286931.3), dbSNP rs575945715, ClinGen allele CA3200268.
Genomic context (GRCh38, chr5:10,973,719, plus strand): 5'-GGTAGGTCTCGTAATCTTTTCTGCTGGGCTCCTGTGGGACTGGCTGTGCTGAAACCTAAA[C>T]GGGAAAGAAGAGCCACACTGGGTTACTTGGTTTCCCTTGACTCAGCCTGCCTCTTGCCCC-3'

ClinVar aggregate classification (germline): Benign. Review status: criteria provided, single submitter (1 of 4 stars). 2 submissions from 2 submitters: Benign (1). 1 of the submissions does not count toward it. Last evaluated 2021-01-25.

Conditions:
CTNND2-related disorder. Also called: CTNND2-related condition.

Allele frequency attached by ClinVar (database versions not stated): gnomAD 0.00008 and 0.00031; TOPMed 0.00009; 1000 Genomes Project 0.00100; gnomAD exomes 0.00101; ExAC 0.00103; 1000 Genomes Project 30x 0.00125.
gnomAD v4.1: 745 of 1,586,110 alleles (0.047%); highest among the groups gnomAD compares: South Asian, 0.82%; 15 homozygotes.

Submissions (2):

GeneDx
Classification: Benign. Last evaluated: 2021-01-25. Review status: criteria provided, single submitter. Criteria: GeneDx Variant Classification Process June 2021. Collection method: clinical testing. Allele origin: germline. Affected: yes.

PreventionGenetics, part of Exact Sciences
Classification: Benign for CTNND2-related condition. Last evaluated: 2021-10-27. Review status: no assertion criteria provided. Collection method: clinical testing. Allele origin: germline. Not counted in ClinVar's aggregate classification.
Comment: This variant is classified as benign based on ACMG/AMP sequence variant interpretation guidelines (Richards et al. 2015 PMID: 25741868, with internal and published modifications).